The following is an entry in ClinVar:

NM_138773.4(SLC25A46):c.996C>G (p.Tyr332Ter)

Gene: SLC25A46 (solute carrier family 25 member 46; plus strand). Cytogenetic location: 5q22.1.
Variant type: single nucleotide variant.
Coding change: c.996C>G on transcript NM_138773.4 (MANE Select); coding-DNA position 996, C replaced by G.
Protein change: p.Tyr332Ter; replaces tyrosine 332 with a stop codon.
Molecular consequence: nonsense. On other transcripts: non-coding transcript variant (1).
Genome position (GRCh38, 1-based): chr5:110,761,521, C>G. VCF-style: chr5-110761521-C-G. GRCh37 (hg19) VCF-style: chr5-110097221-C-G.
Other names: c.753C>G, p.Tyr251Ter (NM_001303249.3); c.723C>G, p.Tyr241Ter (NM_001303250.3); short protein forms Y241*, Y251*, Y332*.
Identifiers: ClinVar variation 1066712 (VCV001066712.10), dbSNP rs530045841, ClinGen allele CA360696684.

ClinVar aggregate classification (germline): Conflicting classifications of pathogenicity. Review status: criteria provided, conflicting classifications (1 of 4 stars). 2 submissions from 2 submitters: Pathogenic (1); Uncertain significance (1). Last evaluated 2024-01-04.

Conditions:
Neuropathy, hereditary motor and sensory, type 6B (HMSN6B). Also called: Neuropathy, hereditary motor and sensory, type VIB; NEUROPATHY, HEREDITARY MOTOR AND SENSORY, TYPE VIB, WITH OPTIC ATROPHY; HMSN VIB; CHARCOT-MARIE-TOOTH DISEASE, TYPE 6B. Identifiers: MedGen C4225302, MONDO:0014671, OMIM 616505.

Allele frequency attached by ClinVar (database versions not stated): TOPMed below 0.00001.

Submissions (2):

Labcorp Genetics (formerly Invitae), Labcorp
Classification: Pathogenic for Neuropathy, hereditary motor and sensory, type 6B. Last evaluated: 2024-01-04. Review status: criteria provided, single submitter. Criteria: Invitae Variant Classification Sherloc (09022015). Collection method: clinical testing. Allele origin: germline.
Comment: This sequence change creates a premature translational stop signal (p.Tyr332*) in the SLC25A46 gene. While this is not anticipated to result in nonsense mediated decay, it is expected to disrupt the last 87 amino acid(s) of the SLC25A46 protein. This variant is not present in population databases (gnomAD no frequency). This variant has not been reported in the literature in individuals affected with SLC25A46-related conditions. ClinVar contains an entry for this variant (Variation ID: 1066712). This variant disrupts a region of the SLC25A46 protein in which other variant(s) (p.Arg340Cys) have been determined to be pathogenic (PMID: 26168012, 27543974, 28369803, 28558379). This suggests that this is a clinically significant region of the protein, and that variants that disrupt it are likely to be disease-causing. For these reasons, this variant has been classified as Pathogenic.

Blueprint Genetics
Classification: Uncertain significance. Last evaluated: 2020-03-19. Review status: criteria provided, single submitter. Criteria: ACMG Guidelines, 2015. Collection method: clinical testing. Allele origin: germline.

Literature cited by the submitters: PubMed 26168012 (cited by Labcorp Genetics (formerly Invitae), Labcorp); PubMed 27543974 (cited by Labcorp Genetics (formerly Invitae), Labcorp); PubMed 28369803 (cited by Labcorp Genetics (formerly Invitae), Labcorp); PubMed 28558379 (cited by Labcorp Genetics (formerly Invitae), Labcorp).